The following is an entry in ClinVar:

NM_001355436.2(SPTB):c.6161T>C (p.Phe2054Ser)

Gene: SPTB (spectrin beta, erythrocytic; minus strand). Cytogenetic location: 14q23.3.
Variant type: single nucleotide variant.
Coding change: c.6161T>C on transcript NM_001355436.2 (MANE Select); coding-DNA position 6161, T replaced by C.
Protein change: p.Phe2054Ser; replaces phenylalanine 2054 with serine.
Molecular consequence: missense variant.
Genome position (GRCh38, 1-based): chr14:64,767,721, A>G on the plus strand (T>C on the coding strand, the complement: SPTB is on the minus strand). VCF-style: chr14-64767721-A-G. GRCh37 (hg19) VCF-style: chr14-65234439-A-G.
Other names: p.Phe2054Ser; c.6161T>C, p.Phe2054Ser (NM_001024858.4, NM_001355437.2); short protein forms F2054S.
Identifiers: ClinVar variation 3380199 (VCV003380199.1).

ClinVar aggregate classification (germline): Uncertain significance (1 of 4 stars; one submission).

Submission:

Mayo Clinic Laboratories, Mayo Clinic
Classification: Uncertain significance. Last evaluated: 2023-11-06. Review status: criteria provided, single submitter. Criteria: ACMG Guidelines, 2015. Collection method: clinical testing. Allele origin: germline. Observed: 2 variant alleles.
Comment: PM1, PM2_moderate